The following is an entry in ClinVar:

ClinVar aggregate classification (germline): Likely pathogenic (1 of 4 stars; one submission).

Conditions:
Intellectual developmental disorder, autosomal dominant 50, with behavioral abnormalities. Also called: MENTAL RETARDATION, AUTOSOMAL DOMINANT 50; Intellectual disability, autosomal dominant 50. Identifiers: MedGen C4540470, MONDO:0030916, OMIM 617787.

Submission:

Greenwood Genetic Center Diagnostic Laboratories, Greenwood Genetic Center
Classification: Likely pathogenic for Intellectual developmental disorder, autosomal dominant 50, with behavioral abnormalities. Last evaluated: 2024-02-06. Review status: criteria provided, single submitter. Criteria: ACMG Guidelines, 2015. Collection method: clinical testing. Allele origin: germline. Affected: yes.
Comment: PVS1, PM2

NM_057175.5(NAA15):c.1485T>G (p.Tyr495Ter)

Gene: NAA15 (N-alpha-acetyltransferase 15, NatA auxiliary subunit; plus strand). Cytogenetic location: 4q31.1.
Variant type: single nucleotide variant.
Coding change: c.1485T>G on transcript NM_057175.5 (MANE Select); coding-DNA position 1485, T replaced by G.
Protein change: p.Tyr495Ter; replaces tyrosine 495 with a stop codon.
Molecular consequence: nonsense.
Genome position (GRCh38, 1-based): chr4:139,360,574, T>G. VCF-style: chr4-139360574-T-G. GRCh37 (hg19) VCF-style: chr4-140281728-T-G.
Other names: c.1485T>G, p.Tyr495Ter (NM_001410842.1, NM_025085.2); short protein forms Y495*.
Identifiers: ClinVar variation 3235722 (VCV003235722.1), dbSNP rs2530418923, ClinGen allele CA358267802.
Genomic context (GRCh38, chr4:139,360,574, plus strand): 5'-GGTAGAGAATTTGAATGAAATGCAGTGCATGTGGTTCCAAACAGAATGTGCCCAGGCTTA[T>G]AAAGCAATGAATAAATTTGGTGAAGCACTTAAGAAATGTCATGAGATTGAGAGAGTAAGT-3'